The following is an entry in ClinVar:

NM_001692.4(ATP6V1B1):c.1307A>T (p.Glu436Val)

Gene: ATP6V1B1 (ATPase H+ transporting V1 subunit B1; plus strand). Cytogenetic location: 2p13.3.
Variant type: single nucleotide variant.
Coding change: c.1307A>T on transcript NM_001692.4 (MANE Select); coding-DNA position 1307, A replaced by T.
Protein change: p.Glu436Val; replaces glutamic acid 436 with valine.
Molecular consequence: missense variant.
Genome position (GRCh38, 1-based): chr2:70,964,794, A>T. VCF-style: chr2-70964794-A-T. GRCh37 (hg19) VCF-style: chr2-71191924-A-T.
Other names: short protein forms E436V.
Identifiers: ClinVar variation 3903286 (VCV003903286.1).

ClinVar aggregate classification (germline): Uncertain significance (1 of 4 stars; one submission).

Submission:

GeneDx
Classification: Uncertain significance. Last evaluated: 2024-12-10. Review status: criteria provided, single submitter. Criteria: GeneDx Variant Classification Process June 2021. Collection method: clinical testing. Allele origin: germline. Affected: yes.
Comment: Not observed at significant frequency in large population cohorts (gnomAD); In silico analysis supports that this missense variant has a deleterious effect on protein structure/function; Has not been previously published as pathogenic or benign to our knowledge